The following is an entry in ClinVar:

NM_032776.3(JMJD1C):c.853C>A (p.Pro285Thr)

Gene: JMJD1C (jumonji domain containing 1C; minus strand). Cytogenetic location: 10q21.3.
Variant type: single nucleotide variant.
Coding change: c.853C>A on transcript NM_032776.3 (MANE Select); coding-DNA position 853, C replaced by A.
Protein change: p.Pro285Thr; replaces proline 285 with threonine.
Molecular consequence: missense variant. On other transcripts: 5 prime UTR variant (1), non-coding transcript variant (1).
Genome position (GRCh38, 1-based): chr10:63,215,425, G>T on the plus strand (C>A on the coding strand, the complement: JMJD1C is on the minus strand). VCF-style: chr10-63215425-G-T. GRCh37 (hg19) VCF-style: chr10-64975185-G-T.
Other names: c.307C>A, p.Pro103Thr (NM_001282948.2, NM_001318154.2); c.-12C>A (NM_001318153.2); c.739C>A, p.Pro247Thr (NM_001322252.2); c.196C>A, p.Pro66Thr (NM_001322254.2, NM_001322258.2); short protein forms P247T, P103T, P285T, P66T.
Identifiers: ClinVar variation 2792759 (VCV002792759.3), dbSNP rs767519332, ClinGen allele CA5518924.
Genomic context (GRCh38, chr10:63,215,425, plus strand): 5'-GCTGTTGCTGGTGTGTATTCTGTTTTGGTACAGCAGCTTGGGAGTTCATTGCTGGTCTGG[G>T]ACTATTTGCTTGGGCACGTGTATAATGGCTCTAAAAATAACCAATTAACAGTAATTGTTT-3'
Protein context (NP_116165.1, residues 275-295): SHYTRAQANS[Pro285Thr]RPAMNSQAAV

ClinVar aggregate classification (germline): Uncertain significance (1 of 4 stars; one submission).

Conditions:
Early Myoclonic Encephalopathy. Identifiers: MedGen C0270855.

Allele frequency attached by ClinVar (database versions not stated): gnomAD exomes 0.00001; ExAC 0.00003.
gnomAD v4.1: 18 of 1,614,056 alleles (0.0011%); highest among the groups gnomAD compares: Non-Finnish European, 0.0013%; no homozygotes.

Submission:

Labcorp Genetics (formerly Invitae), Labcorp
Classification: Uncertain significance for Early Myoclonic Encephalopathy. Last evaluated: 2023-05-25. Review status: criteria provided, single submitter. Criteria: Invitae Variant Classification Sherloc (09022015). Collection method: clinical testing. Allele origin: germline.
Comment: In summary, the available evidence is currently insufficient to determine the role of this variant in disease. Therefore, it has been classified as a Variant of Uncertain Significance. An algorithm developed to predict the effect of missense changes on protein structure and function (PolyPhen-2) suggests that this variant is likely to be disruptive. This variant has not been reported in the literature in individuals affected with JMJD1C-related conditions. This variant is present in population databases (rs767519332, gnomAD 0.004%). This sequence change replaces proline, which is neutral and non-polar, with threonine, which is neutral and polar, at codon 285 of the JMJD1C protein (p.Pro285Thr).